The following is an entry in ClinVar:

ClinVar aggregate classification (germline): Uncertain significance (1 of 4 stars; one submission).

Conditions:
Majeed syndrome (MJDS). Also called: CHRONIC RECURRENT MULTIFOCAL OSTEOMYELITIS 1, WITH CONGENITAL DYSERYTHROPOIETIC ANEMIA, WITH OR WITHOUT NEUTROPHILIC DERMATOSIS; LPIN2-Related Majeed Syndrome. Identifiers: Orphanet 77297, MedGen C1864997, MONDO:0012316, OMIM 609628.

Allele frequency attached by ClinVar (database versions not stated): TOPMed 0.00002.
gnomAD v4.1: 13 of 1,614,150 alleles (0.00081%); highest among the groups gnomAD compares: Non-Finnish European, 0.001%; no homozygotes.

Submission:

Labcorp Genetics (formerly Invitae), Labcorp
Classification: Uncertain significance for Majeed syndrome. Last evaluated: 2022-03-27. Review status: criteria provided, single submitter. Criteria: Invitae Variant Classification Sherloc (09022015). Collection method: clinical testing. Allele origin: germline.
Comment: This sequence change replaces proline, which is neutral and non-polar, with serine, which is neutral and polar, at codon 873 of the LPIN2 protein (p.Pro873Ser). This variant is present in population databases (no rsID available, gnomAD 0.0009%). This variant has not been reported in the literature in individuals affected with LPIN2-related conditions. Algorithms developed to predict the effect of missense changes on protein structure and function output the following: SIFT: "Tolerated"; PolyPhen-2: "Benign"; Align-GVGD: "Class C0". The serine amino acid residue is found in multiple mammalian species, which suggests that this missense change does not adversely affect protein function. In summary, the available evidence is currently insufficient to determine the role of this variant in disease. Therefore, it has been classified as a Variant of Uncertain Significance.

NM_001375808.2(LPIN2):c.2617C>T (p.Pro873Ser)

Gene: LPIN2 (lipin 2; minus strand). Cytogenetic location: 18p11.31.
Variant type: single nucleotide variant.
Coding change: c.2617C>T on transcript NM_001375808.2 (MANE Select); coding-DNA position 2617, C replaced by T.
Protein change: p.Pro873Ser; replaces proline 873 with serine.
Molecular consequence: missense variant.
Genome position (GRCh38, 1-based): chr18:2,920,367, G>A on the plus strand (C>T on the coding strand, the complement: LPIN2 is on the minus strand). VCF-style: chr18-2920367-G-A. GRCh37 (hg19) VCF-style: chr18-2920365-G-A.
Other names: c.2617C>T, p.Pro873Ser (NM_001375809.1, NM_014646.2); short protein forms P873S.
Identifiers: ClinVar variation 1980584 (VCV001980584.1), dbSNP rs757315664, ClinGen allele CA401693836.